The following is an entry in ClinVar:

NM_015631.6(TCTN3):c.63dup (p.Pro22fs)

Genes: TCTN3 (tectonic family member 3; minus strand), LOC130004408 (ATAC-STARR-seq lymphoblastoid active region 3801; plus strand). Cytogenetic location: 10q24.1.
Variant type: Duplication.
Coding change: c.63dup on transcript NM_015631.6 (MANE Select); coding-DNA position 63, one base duplicated (G; older notation c.63dupG).
Protein change: p.Pro22fs; shifts the reading frame from proline 22.
Molecular consequence: frameshift variant.
Genome position (GRCh38, 1-based): chr10:95,693,837, C duplicated on the plus strand (G on the coding strand, the reverse complement: TCTN3 is on the minus strand); the first of 2 consecutive C bases (chr10:95,693,837-95,693,838); duplicating either gives the same sequence. VCF-style (leftmost placement, unchanged base first): chr10-95693836-G-GC. GRCh37 (hg19) VCF-style: chr10-97453593-G-GC.
Other names: c.63dup, p.Pro22fs (NM_001143973.2, NM_001410982.1); short protein forms P22fs.
Identifiers: ClinVar variation 3753414 (VCV003753414.2).
Genomic context (GRCh38, chr10:95,693,836, plus strand): 5'-TCCCTCGCTGCAGCTCCAAAGACGTGGGCACTGCCCCTGATGGGGAGGAAGAGGGCTGAG[G>GC]CCGGACGCCATCGGGGAACACCAGAAAGAACACTTGCAGGAGCGCGAGCTGTGGGGTGCG-3'

ClinVar aggregate classification (germline): Pathogenic (1 of 4 stars; one submission).

Conditions:
Joubert syndrome 18 (JBTS18). Identifiers: Orphanet 2754, MedGen C3553758, MONDO:0013896, OMIM 614815.
Orofacial-digital syndrome IV (OFD4). Also called: BARAITSER-BURN SYNDROME; OFD SYNDROME WITH TIBIAL DEFECTS; OFD SYNDROME, BARAITSER-BURN TYPE; OFDS IV; ORAL-FACIAL-DIGITAL SYNDROME, TYPE IV; Orofaciodigital syndrome IV. Identifiers: Orphanet 2753, MedGen C0406727, MONDO:0009794, OMIM 258860.

Submission:

Labcorp Genetics (formerly Invitae), Labcorp
Classification: Pathogenic for Joubert syndrome 18; Orofacial-digital syndrome IV. Last evaluated: 2024-04-19. Review status: criteria provided, single submitter. Criteria: Invitae Variant Classification Sherloc (09022015). Collection method: clinical testing. Allele origin: germline.
Comment: This sequence change creates a premature translational stop signal (p.Pro22Alafs*58) in the TCTN3 gene. It is expected to result in an absent or disrupted protein product. Loss-of-function variants in TCTN3 are known to be pathogenic (PMID: 2692869, 22883145, 25118024). This variant is not present in population databases (gnomAD no frequency). This variant has not been reported in the literature in individuals affected with TCTN3-related conditions. For these reasons, this variant has been classified as Pathogenic.

Literature cited by the submitters: PubMed 2692869; PubMed 22883145; PubMed 25118024.